The following is an entry in ClinVar:

NM_001195263.2(PDZD7):c.1031C>T (p.Ser344Leu)

Gene: PDZD7 (PDZ domain containing 7; minus strand). Cytogenetic location: 10q24.31.
Variant type: single nucleotide variant.
Coding change: c.1031C>T on transcript NM_001195263.2 (MANE Select); coding-DNA position 1031, C replaced by T.
Protein change: p.Ser344Leu; replaces serine 344 with leucine.
Molecular consequence: missense variant.
Genome position (GRCh38, 1-based): chr10:101,019,115, G>A on the plus strand (C>T on the coding strand, the complement: PDZD7 is on the minus strand). VCF-style: chr10-101019115-G-A. GRCh37 (hg19) VCF-style: chr10-102778872-G-A.
Other names: c.1031C>T, p.Ser344Leu (NM_001351044.2, NM_024895.5); short protein forms S344L.
Identifiers: ClinVar variation 1058959 (VCV001058959.6), dbSNP rs772257588, ClinGen allele CA5654183.

ClinVar aggregate classification (germline): Uncertain significance (1 of 4 stars; one submission).

Allele frequency attached by ClinVar (database versions not stated): TOPMed below 0.00001; gnomAD exomes 0.00001.
gnomAD v4.1: 9 of 1,552,246 alleles (0.00058%); highest among the groups gnomAD compares: Non-Finnish European, 0.00052%; no homozygotes.

Submission:

Labcorp Genetics (formerly Invitae), Labcorp
Classification: Uncertain significance. Last evaluated: 2022-05-11. Review status: criteria provided, single submitter. Criteria: Invitae Variant Classification Sherloc (09022015). Collection method: clinical testing. Allele origin: germline.
Comment: This sequence change replaces serine, which is neutral and polar, with leucine, which is neutral and non-polar, at codon 344 of the PDZD7 protein (p.Ser344Leu). The frequency data for this variant in the population databases is considered unreliable, as metrics indicate poor data quality at this position in the gnomAD database. This variant has not been reported in the literature in individuals affected with PDZD7-related conditions. ClinVar contains an entry for this variant (Variation ID: 1058959). Algorithms developed to predict the effect of missense changes on protein structure and function output the following: SIFT: "Deleterious"; PolyPhen-2: "Not Available"; Align-GVGD: "Class C0". The leucine amino acid residue is found in multiple mammalian species, which suggests that this missense change does not adversely affect protein function. In summary, the available evidence is currently insufficient to determine the role of this variant in disease. Therefore, it has been classified as a Variant of Uncertain Significance.